The following is an entry in ClinVar:

NM_002430.3(MN1):c.712G>A (p.Glu238Lys)

Gene: MN1 (MN1 proto-oncogene, transcriptional regulator; minus strand). Cytogenetic location: 22q12.1.
Variant type: single nucleotide variant.
Coding change: c.712G>A on transcript NM_002430.3 (MANE Select); coding-DNA position 712, G replaced by A.
Protein change: p.Glu238Lys; replaces glutamic acid 238 with lysine.
Molecular consequence: missense variant.
Genome position (GRCh38, 1-based): chr22:27,799,832, C>T on the plus strand (G>A on the coding strand, the complement: MN1 is on the minus strand). VCF-style: chr22-27799832-C-T. GRCh37 (hg19) VCF-style: chr22-28195820-C-T.
Other names: short protein forms E238K.
Identifiers: ClinVar variation 3359319 (VCV003359319.2).

ClinVar aggregate classification (germline): Uncertain significance (1 of 4 stars; one submission).

gnomAD v4.1: 3 of 1,597,320 alleles (0.00019%); highest among the groups gnomAD compares: African/African-American, 0.0013%; no homozygotes.

Submission:

GeneDx
Classification: Uncertain significance. Last evaluated: 2025-09-17. Review status: criteria provided, single submitter. Criteria: GeneDx Variant Classification Process June 2021. Collection method: clinical testing. Allele origin: germline.
Comment: Not observed at significant frequency in large population cohorts (gnomAD); In silico analysis supports that this missense variant has a deleterious effect on protein structure/function; Has not been previously published as pathogenic or benign to our knowledge